The following is an entry in ClinVar:

NM_001276345.2(TNNT2):c.124G>A (p.Ala42Thr)

Gene: TNNT2 (troponin T2, cardiac type; minus strand). Cytogenetic location: 1q32.1.
Variant type: single nucleotide variant.
Coding change: c.124G>A on transcript NM_001276345.2 (MANE Select); coding-DNA position 124, G replaced by A.
Protein change: p.Ala42Thr; replaces alanine 42 with threonine.
Molecular consequence: missense variant.
Genome position (GRCh38, 1-based): chr1:201,368,201, C>T on the plus strand (G>A on the coding strand, the complement: TNNT2 is on the minus strand). VCF-style: chr1-201368201-C-T. GRCh37 (hg19) VCF-style: chr1-201337329-C-T.
Other names: c.124G>A, p.Ala42Thr (NM_000364.4, NM_001276346.2); c.94G>A, p.Ala32Thr (NM_001001430.3, NM_001001431.3, NM_001276347.2); c.79G>A, p.Ala27Thr (NM_001001432.3); short protein forms A32T, A27T, A42T.
Identifiers: ClinVar variation 657764 (VCV000657764.16), dbSNP rs1571649102, ClinGen allele CA344207324.

ClinVar aggregate classification (germline): Uncertain significance. Review status: criteria provided, multiple submitters, no conflicts (2 of 4 stars). 7 submissions from 5 submitters: Uncertain significance (7). Last evaluated 2026-01-21.

Conditions:
Hypertrophic cardiomyopathy 2. Also called: TNNT2-Related Familial Hypertrophic Cardiomyopathy. Identifiers: MedGen C1861864, MONDO:0007266, OMIM 115195.
Cardiomyopathy, familial restrictive, 3. Identifiers: Orphanet 75249, MedGen C2676271, MONDO:0012900, OMIM 612422.
Dilated cardiomyopathy 1D. Identifiers: Orphanet 154, Orphanet 54260, MedGen C1832243, MONDO:0011095, OMIM 601494.
Cardiovascular phenotype. Identifiers: MedGen CN230736.
Cardiomyopathy (CMYO). Also called: Cardiomyopathies. Identifiers: Orphanet 167848, MedGen C0878544, MONDO:0004994, HP:0001638. Inheritance: Various modes of inheritance.

Submissions (7):

Labcorp Genetics (formerly Invitae), Labcorp
Classification: Uncertain significance for Cardiomyopathy, familial restrictive, 3; Hypertrophic cardiomyopathy 2; Dilated cardiomyopathy 1D. Last evaluated: 2026-01-21. Review status: criteria provided, single submitter. Criteria: Invitae Variant Classification Sherloc (09022015). Collection method: clinical testing. Allele origin: germline.
Comment: This sequence change replaces alanine, which is neutral and non-polar, with threonine, which is neutral and polar, at codon 32 of the TNNT2 protein (p.Ala32Thr). This variant is not present in population databases (gnomAD no frequency). This variant has not been reported in the literature in individuals affected with TNNT2-related conditions. ClinVar contains an entry for this variant (Variation ID: 657764). Invitae Evidence Modeling of protein sequence and biophysical properties (such as structural, functional, and spatial information, amino acid conservation, physicochemical variation, residue mobility, and thermodynamic stability) has been performed for this missense variant. However, the output from this modeling did not meet the statistical confidence thresholds required to predict the impact of this variant on TNNT2 protein function. In summary, the available evidence is currently insufficient to determine the role of this variant in disease. Therefore, it has been classified as a Variant of Uncertain Significance.

Ambry Genetics
Classification: Uncertain significance for Cardiovascular phenotype. Last evaluated: 2024-09-26. Review status: criteria provided, single submitter. Criteria: Ambry Variant Classification Scheme 2023. Collection method: clinical testing. Allele origin: germline.
Comment: The p.A32T variant (also known as c.94G>A), located in coding exon 4 of the TNNT2 gene, results from a G to A substitution at nucleotide position 94. The alanine at codon 32 is replaced by threonine, an amino acid with similar properties. This amino acid position is well conserved in available vertebrate species. In addition, the in silico prediction for this alteration is inconclusive. Based on the available evidence, the clinical significance of this variant remains unclear.

Genome-Nilou Lab
Classification: Uncertain significance for Dilated cardiomyopathy 1D. Last evaluated: 2023-11-04. Review status: criteria provided, single submitter. Criteria: ACMG Guidelines, 2015. Collection method: clinical testing. Allele origin: germline. Affected: no.

Genome-Nilou Lab
Classification: Uncertain significance for Cardiomyopathy, familial restrictive, 3. Last evaluated: 2023-11-04. Review status: criteria provided, single submitter. Criteria: ACMG Guidelines, 2015. Collection method: clinical testing. Allele origin: germline. Affected: no.

Genome-Nilou Lab
Classification: Uncertain significance for Hypertrophic cardiomyopathy 2. Last evaluated: 2023-11-04. Review status: criteria provided, single submitter. Criteria: ACMG Guidelines, 2015. Collection method: clinical testing. Allele origin: germline. Affected: no.

All of Us Research Program, National Institutes of Health
Classification: Uncertain significance for Cardiomyopathy. Last evaluated: 2023-09-17. Review status: criteria provided, single submitter. Criteria: ACMG Guidelines, 2015. Collection method: clinical testing. Allele origin: germline. Inheritance: Autosomal dominant inheritance. Observed: 1 variant allele, 1 heterozygote.
Comment: This missense variant replaces alanine with threonine at codon 32 of the TNNT2 protein. Computational prediction suggests that this variant may not impact protein structure and function (internally defined REVEL score threshold <= 0.5, PMID: 27666373). To our knowledge, functional studies have not been reported for this variant. This variant has not been reported in individuals affected with TNNT2-related disorders in the literature. This variant has not been identified in the general population by the Genome Aggregation Database (gnomAD). The available evidence is insufficient to determine the role of this variant in disease conclusively. Therefore, this variant is classified as a Variant of Uncertain Significance.

This study involves interpretation of variants in research participants for the purpose of population health screening. Participant phenotype was not available at the time of variant classification. Additional details can be found in publication PMID: 35346344, PMCID: PMC8962531

Color Diagnostics, LLC DBA Color Health
Classification: Uncertain significance for Cardiomyopathy. Last evaluated: 2023-09-01. Review status: criteria provided, single submitter. Criteria: ACMG Guidelines, 2015. Collection method: clinical testing. Allele origin: germline.
Comment: This missense variant replaces alanine with threonine at codon 32 of the TNNT2 protein. Computational prediction suggests that this variant may not impact protein structure and function (internally defined REVEL score threshold <= 0.5, PMID: 27666373). To our knowledge, functional studies have not been reported for this variant. This variant has not been reported in individuals affected with TNNT2-related disorders in the literature. This variant has not been identified in the general population by the Genome Aggregation Database (gnomAD). The available evidence is insufficient to determine the role of this variant in disease conclusively. Therefore, this variant is classified as a Variant of Uncertain Significance.